The following is an entry in ClinVar:

NM_001042492.3(NF1):c.5699del (p.Ile1900fs)

Gene: NF1 (neurofibromin 1; plus strand). Cytogenetic location: 17q11.2.
Variant type: Deletion.
Coding change: c.5699del on transcript NM_001042492.3 (MANE Select); coding-DNA position 5699, one base deleted (T; older notation c.5699delT).
Protein change: p.Ile1900fs; shifts the reading frame from isoleucine 1900.
Molecular consequence: frameshift variant.
Genome position (GRCh38, 1-based): chr17:31,330,385, T deleted. VCF-style (leftmost placement, unchanged base first): chr17-31330384-AT-A. GRCh37 (hg19) VCF-style: chr17-29657402-AT-A.
Other names: c.5636delT (NM_000267.3); c.5636delT, p.Ile1879Thrfs (NM_000267.4); short protein forms I1900fs, I1879fs.
Identifiers: ClinVar variation 404568 (VCV000404568.5), dbSNP rs1060500353, ClinGen allele CA16615275.

ClinVar aggregate classification (germline): Pathogenic (1 of 4 stars; one submission).

Conditions:
Neurofibromatosis, type 1 (NF1). Also called: Neurofibromatosis, type I; NEUROFIBROMATOSIS, TYPE I, SOMATIC; Peripheral type neurofibromatosis; VON RECKLINGHAUSEN DISEASE. Identifiers: Orphanet 636, MedGen C0027831, MONDO:0018975, OMIM 162200. Disease mechanism: loss of function.

Submission:

Labcorp Genetics (formerly Invitae), Labcorp
Classification: Pathogenic for Neurofibromatosis, type 1. Last evaluated: 2016-09-03. Review status: criteria provided, single submitter. Criteria: Invitae Variant Classification Sherloc (09022015). Collection method: clinical testing. Allele origin: germline.
Comment: While this particular variant has not been reported in the literature, loss-of-function variants in NF1 are known to be pathogenic (PMID: 10712197, 23913538). This sequence change deletes 1 nucleotide from exon 38 of the NF1 mRNA (c.5636delT), causing a frameshift at codon 1879. This creates a premature translational stop signal (p.Ile1879Thrfs*25) and is expected to result in an absent or disrupted protein product. For these reasons, this variant has been classified as Pathogenic.

Literature cited by the submitters: PubMed 10712197; PubMed 23913538.